The following is an entry in ClinVar:

ClinVar aggregate classification (germline): Uncertain significance (1 of 4 stars; one submission).

Conditions:
Inborn genetic diseases. Identifiers: MedGen C0950123, MeSH D030342.

Submission:

Ambry Genetics
Classification: Uncertain significance for Inborn genetic diseases. Last evaluated: 2026-05-14. Review status: criteria provided, single submitter. Criteria: Ambry Variant Classification Scheme 2023. Collection method: clinical testing. Allele origin: germline.
Comment: The p.T1020I variant (also known as c.3059C>T), located in coding exon 14 of the MECOM gene, results from a C to T substitution at nucleotide position 3059. The threonine at codon 1020 is replaced by isoleucine, an amino acid with similar properties. This amino acid position is conserved. In addition, this alteration is predicted to be tolerated by in silico analysis. Based on the available evidence, the clinical significance of this variant remains unclear.

NM_004991.4(MECOM):c.3059C>T (p.Thr1020Ile)

Gene: MECOM (MDS1 and EVI1 complex locus; minus strand). Cytogenetic location: 3q26.2.
Variant type: single nucleotide variant.
Coding change: c.3059C>T on transcript NM_004991.4 (MANE Select); coding-DNA position 3059, C replaced by T.
Protein change: p.Thr1020Ile; replaces threonine 1020 with isoleucine.
Molecular consequence: missense variant.
Genome position (GRCh38, 1-based): chr3:169,093,063, G>A on the plus strand (C>T on the coding strand, the complement: MECOM is on the minus strand). VCF-style: chr3-169093063-G-A. GRCh37 (hg19) VCF-style: chr3-168810851-G-A.
Other names: c.2690C>T, p.Thr897Ile (NM_001105077.4); c.2495C>T, p.Thr832Ile (NM_001105078.4, NM_001205194.2, NM_001366469.2 and 1 more transcripts); c.2471C>T, p.Thr824Ile (NM_001163999.2, NM_001366470.2); c.2468C>T, p.Thr823Ile (NM_001164000.2, NM_001366471.2, NM_001366472.2); c.3032C>T, p.Thr1011Ile (NM_001366466.2); c.2498C>T, p.Thr833Ile (NM_001366467.2, NM_001366468.2); c.2060C>T, p.Thr687Ile (NM_001366473.2); c.1496C>T, p.Thr499Ile (NM_001366474.2); short protein forms T1011I, T1020I, T499I, T687I, T823I, T824I, T832I, T833I.
Identifiers: ClinVar variation 4859773 (VCV004859773.1).
Genomic context (GRCh38, chr3:169,093,063, plus strand): 5'-CCAATGAAATTTCGAATTTCTGTGAAGTAAGCATCTTCTTTGTCATCCAGAATCGCACCT[G>A]TACTTTCCAGTTCAGAATGAGGCGACGATGTTGCTGTACCTGTGTGGAGCAGAAAGCCTT-3'
Protein context (NP_004982.2, residues 1010-1030): TSSPHSELES[Thr1020Ile]GAILDDKEDA